The following is an entry in ClinVar:

ClinVar aggregate classification (germline): Uncertain significance (1 of 4 stars; one submission).

Submission:

GeneDx
Classification: Uncertain significance. Last evaluated: 2025-08-06. Review status: criteria provided, single submitter. Criteria: GeneDx Variant Classification Process June 2021. Collection method: clinical testing. Allele origin: germline. Affected: yes.
Comment: Not observed at significant frequency in large population cohorts (gnomAD); In silico analysis suggests that this missense variant does not alter protein structure/function; Has not been previously published as pathogenic or benign to our knowledge

NM_000748.3(CHRNB2):c.1009G>T (p.Val337Phe)

Gene: CHRNB2 (cholinergic receptor nicotinic beta 2 subunit; plus strand). Cytogenetic location: 1q21.3.
Variant type: single nucleotide variant.
Coding change: c.1009G>T on transcript NM_000748.3 (MANE Select); coding-DNA position 1009, G replaced by T.
Protein change: p.Val337Phe; replaces valine 337 with phenylalanine.
Molecular consequence: missense variant.
Genome position (GRCh38, 1-based): chr1:154,571,832, G>T. VCF-style: chr1-154571832-G-T. GRCh37 (hg19) VCF-style: chr1-154544308-G-T.
Other names: short protein forms V337F.
Identifiers: ClinVar variation 4755582 (VCV004755582.1).